The following is an entry in ClinVar:

ClinVar aggregate classification (germline): Uncertain significance (1 of 4 stars; one submission).

Allele frequency attached by ClinVar (database versions not stated): gnomAD exomes below 0.00001; ExAC 0.00001; TOPMed 0.00001; gnomAD 0.00002 and 0.00003; 1000 Genomes Project 30x 0.00016; 1000 Genomes Project 0.00020.

Submission:

Labcorp Genetics (formerly Invitae), Labcorp
Classification: Uncertain significance. Last evaluated: 2022-09-27. Review status: criteria provided, single submitter. Criteria: Invitae Variant Classification Sherloc (09022015). Collection method: clinical testing. Allele origin: germline.
Comment: This sequence change replaces threonine, which is neutral and polar, with isoleucine, which is neutral and non-polar, at codon 194 of the EIF2B5 protein (p.Thr194Ile). This variant is present in population databases (rs536707551, gnomAD 0.01%). This variant has not been reported in the literature in individuals affected with EIF2B5-related conditions. ClinVar contains an entry for this variant (Variation ID: 1402435). Advanced modeling of protein sequence and biophysical properties (such as structural, functional, and spatial information, amino acid conservation, physicochemical variation, residue mobility, and thermodynamic stability) performed at Invitae indicates that this missense variant is not expected to disrupt EIF2B5 protein function. In summary, the available evidence is currently insufficient to determine the role of this variant in disease. Therefore, it has been classified as a Variant of Uncertain Significance.

NM_003907.3(EIF2B5):c.581C>T (p.Thr194Ile)

Gene: EIF2B5 (eukaryotic translation initiation factor 2B subunit epsilon; plus strand). Cytogenetic location: 3q27.1.
Variant type: single nucleotide variant.
Coding change: c.581C>T on transcript NM_003907.3 (MANE Select); coding-DNA position 581, C replaced by T.
Protein change: p.Thr194Ile; replaces threonine 194 with isoleucine.
Molecular consequence: missense variant.
Genome position (GRCh38, 1-based): chr3:184,137,972, C>T. VCF-style: chr3-184137972-C-T. GRCh37 (hg19) VCF-style: chr3-183855760-C-T.
Other names: short protein forms T194I.
Identifiers: ClinVar variation 1402435 (VCV001402435.5), dbSNP rs536707551, ClinGen allele CA2726423.